The following is an entry in ClinVar:

NM_001849.4(COL6A2):c.2898G>A (p.Lys966=)

Gene: COL6A2 (collagen type VI alpha 2 chain; plus strand). Cytogenetic location: 21q22.3.
Variant type: single nucleotide variant.
Coding change: c.2898G>A on transcript NM_001849.4 (MANE Select); coding-DNA position 2898, G replaced by A.
Protein change: p.Lys966=; no amino-acid change (lysine 966 retained).
Molecular consequence: synonymous variant.
Genome position (GRCh38, 1-based): chr21:46,132,390, G>A. VCF-style: chr21-46132390-G-A. GRCh37 (hg19) VCF-style: chr21-47552304-G-A.
Identifiers: ClinVar variation 512473 (VCV000512473.9), dbSNP rs759502409, ClinGen allele CA10073084.

ClinVar aggregate classification (germline): Likely benign. Review status: criteria provided, multiple submitters, no conflicts (2 of 4 stars). 2 submissions from 2 submitters: Likely benign (2). Last evaluated 2024-11-04.

Conditions:
Bethlem myopathy 1A. Also called: MYOPATHY, BENIGN CONGENITAL, WITH CONTRACTURES; Bethlem myopathy 1; Bethlem Muscular Dystrophy. Identifiers: Orphanet 610, MedGen CN029274, MONDO:0024530, OMIM 158810.

Allele frequency attached by ClinVar (database versions not stated): ExAC 0.00001; gnomAD exomes 0.00001.
gnomAD v4.1: 18 of 1,609,548 alleles (0.0011%); highest among the groups gnomAD compares: East Asian, 0.0045%; no homozygotes.

Submissions (2):

Labcorp Genetics (formerly Invitae), Labcorp
Classification: Likely benign for Bethlem myopathy 1A. Last evaluated: 2024-11-04. Review status: criteria provided, single submitter. Criteria: Invitae Variant Classification Sherloc (09022015). Collection method: clinical testing. Allele origin: germline.

GeneDx
Classification: Likely benign. Last evaluated: 2017-10-03. Review status: criteria provided, single submitter. Criteria: GeneDx Variant Classification (06012015). Collection method: clinical testing. Allele origin: germline. Affected: yes.
Comment: This variant is considered likely benign or benign based on one or more of the following criteria: it is a conservative change, it occurs at a poorly conserved position in the protein, it is predicted to be benign by multiple in silico algorithms, and/or has population frequency not consistent with disease.